The following is an entry in ClinVar:

NM_001127701.1(SERPINA1):c.1145T>G (p.Met382Arg)

Gene: SERPINA1 (serpin family A member 1; minus strand). Cytogenetic location: 14q32.13.
Variant type: single nucleotide variant.
Coding change: c.1145T>G on transcript NM_001127701.1; coding-DNA position 1145, T replaced by G.
Protein change: p.Met382Arg; replaces methionine 382 with arginine.
Molecular consequence: missense variant (on NM_000295.5).
Genome position (GRCh38, 1-based): chr14:94,378,561, A>C on the plus strand (T>G on the coding strand, the complement: SERPINA1 is on the minus strand). VCF-style: chr14-94378561-A-C. GRCh37 (hg19) VCF-style: chr14-94844898-A-C.
Other names: M358R; PI PITTSBURGH; 'antithrombin' Pittsburgh; c.1145T>G, p.Met382Arg (NM_000295.5, NM_001002235.3, NM_001002236.3 and 8 more transcripts); short protein forms M382R.
Identifiers: ClinVar variation 17982 (VCV000017982.2), dbSNP rs121912713, ClinGen allele CA127707.

ClinVar aggregate classification (germline): Pathogenic. Review status: no assertion criteria provided (0 of 4 stars). 3 submissions from 3 submitters: Pathogenic (3). Last evaluated 2014-12-08.

Conditions:
Alpha-1-antitrypsin deficiency (A1ATD). Also called: AAT deficiency; A1AT deficiency; Alpha1-Antitrypsin Deficiency. Identifiers: Orphanet 60, MedGen C0221757, MONDO:0013282, OMIM 613490.
Hemorrhagic disease due to alpha-1-antitrypsin Pittsburgh mutation. Also called: 'antithrombin' pittsburgh; PI PITTSBURGH. Identifiers: Orphanet 178396, MedGen C5190706, MONDO:0015801.

Submissions (3):

Department of Laboratory Medicine and Genetics, Trillium Health Partners Credit Valley Hospital
Classification: Pathogenic for Alpha-1-antitrypsin deficiency. Last evaluated: 2014-12-08. Review status: no assertion criteria provided. Collection method: curation. Allele origin: germline. Affected: yes.

GeneReviews
Classification: Pathogenic for Alpha-1-antitrypsin deficiency. Last evaluated: 2014-05-01. Review status: no assertion criteria provided. Collection method: literature only. Allele origin: germline. Affected: yes.
Comment: Disease association: bleeding diatheses

OMIM
Classification: Pathogenic for 'ANTITHROMBIN' PITTSBURGH. Last evaluated: 1995-04-01. Review status: no assertion criteria provided. Collection method: literature only. Allele origin: germline.

Literature cited by the submitters: PubMed 14985567 (cited by GeneReviews); PubMed 6604220 (cited by OMIM); PubMed 412531 (cited by OMIM); PubMed 3484755 (cited by OMIM); PubMed 3484756 (cited by OMIM); PubMed 1569192 (cited by OMIM); PubMed 7706910 (cited by OMIM); PubMed 8182727 (cited by OMIM).